The following is an entry in ClinVar:

ClinVar aggregate classification (germline): Likely pathogenic (1 of 4 stars; one submission).

Submission:

GeneDx
Classification: Likely pathogenic. Last evaluated: 2024-11-22. Review status: criteria provided, single submitter. Criteria: GeneDx Variant Classification Process June 2021. Collection method: clinical testing. Allele origin: germline. Affected: yes.
Comment: Not observed at significant frequency in large population cohorts (gnomAD); In silico analysis supports that this missense variant has a deleterious effect on protein structure/function; This variant is associated with the following publications: (PMID: 19158352, 33095447)

NM_138694.4(PKHD1):c.4879G>T (p.Val1627Phe)

Genes: PKHD1 (PKHD1 ciliary IPT domain containing fibrocystin/polyductin; minus strand), LOC126859690 (MED14-independent group 3 enhancer GRCh37_chr6:51888848-51890047; plus strand). Cytogenetic location: 6p12.2.
Variant type: single nucleotide variant.
Coding change: c.4879G>T on transcript NM_138694.4 (MANE Select); coding-DNA position 4879, G replaced by T.
Protein change: p.Val1627Phe; replaces valine 1627 with phenylalanine.
Molecular consequence: missense variant.
Genome position (GRCh38, 1-based): chr6:52,024,931, C>A on the plus strand (G>T on the coding strand, the complement: PKHD1 is on the minus strand). VCF-style: chr6-52024931-C-A. GRCh37 (hg19) VCF-style: chr6-51889729-C-A.
Other names: c.4879G>T, p.Val1627Phe (NM_170724.3); short protein forms V1627F.
Identifiers: ClinVar variation 3900245 (VCV003900245.1).